The following is an entry in ClinVar:

NM_005708.5(GPC6):c.*1094T>A

Gene: GPC6 (glypican 6; plus strand). Cytogenetic location: 13q32.1.
Variant type: single nucleotide variant.
Coding change: c.*1094T>A on transcript NM_005708.5 (MANE Select); 1094 bases downstream of the stop codon, T replaced by A.
Molecular consequence: 3 prime UTR variant.
Genome position (GRCh38, 1-based): chr13:94,404,311, T>A. VCF-style: chr13-94404311-T-A. GRCh37 (hg19) VCF-style: chr13-95056565-T-A.
Identifiers: ClinVar variation 312571 (VCV000312571.6), dbSNP rs9561552, ClinGen allele CA10644874.

ClinVar aggregate classification (germline): Benign. Review status: criteria provided, multiple submitters, no conflicts (2 of 4 stars). 2 submissions from 2 submitters: Benign (2). Last evaluated 2018-01-13.

Conditions:
Autosomal recessive omodysplasia (OMOD1). Also called: MICROMELIC DYSPLASIA, CONGENITAL, WITH DISLOCATION OF RADIUS. Identifiers: Orphanet 2733, Orphanet 93329, MedGen C1850318, MONDO:0009779, OMIM 258315.

Allele frequency attached by ClinVar (database versions not stated): gnomAD 0.01039 and 0.01311; TOPMed 0.01985; 1000 Genomes Project 30x 0.04622; 1000 Genomes Project 0.05312.

Submissions (2):

Illumina Laboratory Services, Illumina
Classification: Benign for Autosomal recessive omodysplasia. Last evaluated: 2018-01-13. Review status: criteria provided, single submitter. Criteria: ICSL Variant Classification Criteria 13 December 2019. Collection method: clinical testing. Allele origin: germline.
Comment: This variant was observed in the ICSL laboratory as part of a predisposition screen in an ostensibly healthy population. It had not been previously curated by ICSL or reported in the Human Gene Mutation Database (HGMD: prior to June 1st, 2018), and was therefore a candidate for classification through an automated scoring system. Utilizing variant allele frequency, disease prevalence and penetrance estimates, and inheritance mode, an automated score was calculated to assess if this variant is too frequent to cause the disease. Based on the score and internal cut-off values, a variant classified as benign is not then subjected to further curation. The score for this variant resulted in a classification of benign for this disease.

Breakthrough Genomics
Classification: Benign. Review status: criteria provided, single submitter. Criteria: ACMG Guidelines, 2015. Collection method: not provided. Allele origin: germline. Inheritance: Autosomal recessive inheritance. Affected: yes.